The following is an entry in ClinVar:

ClinVar aggregate classification (germline): Likely pathogenic (1 of 4 stars; one submission).

Conditions:
Anemia, nonspherocytic hemolytic, due to G6PD deficiency (CNSHA1). Also called: Hemolytic anemia due to G6PD deficiency; Class I glucose-6-phosphate dehydrogenase deficiency; Favism, susceptibility to; ANEMIA, CONGENITAL, NONSPHEROCYTIC HEMOLYTIC, 1. Identifiers: Orphanet 466026, MedGen C2720289, MONDO:0010480, OMIM 300908.

Submission:

Dunham Lab, University of Washington
Classification: Likely pathogenic for Anemia, nonspherocytic hemolytic, due to G6PD deficiency. Last evaluated: 2022-08-12. Review status: criteria provided, single submitter. Criteria: Bayesian ACMG Guidelines, 2018. Collection method: curation. Allele origin: unknown. Affected: yes.
Comment: Variant found in unrelated hemizygotes with G6PD deficiency (PS4_M, PP4). Decreased activity in red blood cells (20-50%) (PS3). Not found in gnomAD (PM2). Post_P 0.988 (odds of pathogenicity 729.3, Prior_P 0.1).

Literature cited by the submitters: PubMed 22552160.

NM_001360016.2(G6PD):c.864+43G>A

Gene: G6PD (glucose-6-phosphate dehydrogenase; minus strand). Cytogenetic location: Xq28.
Variant type: single nucleotide variant.
Coding change: c.864+43G>A on transcript NM_001360016.2 (MANE Select); 43 bases into the intron after coding-DNA position 864, G replaced by A.
Molecular consequence: intron variant.
Genome position (GRCh38, 1-based): chrX:154,533,533, C>T on the plus strand (G>A on the coding strand, the complement: G6PD is on the minus strand). VCF-style: chrX-154533533-C-T. GRCh37 (hg19) VCF-style: chrX-153761748-C-T.
Other names: c.954+43G>A (NM_000402.4); c.864+43G>A (NM_001042351.3).
Identifiers: ClinVar variation 1722594 (VCV001722594.2), dbSNP rs2523265236, ClinGen allele CA2580101928.